The following is an entry in ClinVar:

ClinVar aggregate classification (germline): Uncertain significance (1 of 4 stars; one submission).

Conditions:
Intellectual developmental disorder, X-linked, syndromic, Claes-Jensen type. Also called: Syndromic X-linked intellectual disability Claes-Jensen type; INTELLECTUAL DEVELOPMENTAL DISORDER, X-LINKED, SYNDROMIC 16; MENTAL RETARDATION, X-LINKED, SYNDROMIC 16. Identifiers: Orphanet 85279, MedGen C1845243, MONDO:0010355, OMIM 300534.

Submission:

Victorian Clinical Genetics Services, Murdoch Childrens Research Institute
Classification: Uncertain significance for Intellectual developmental disorder, X-linked, syndromic, Claes-Jensen type. Last evaluated: 2026-03-11. Review status: criteria provided, single submitter. Criteria: ACMG Guidelines, 2015. Collection method: clinical testing. Allele origin: germline. Affected: yes.
Comment: This variant is classified as VUS-3A. Evidence in support of pathogenic classification: Variant is absent from gnomAD (v2, v3 and v4); Missense variant in a region that is highly intolerant to missense variation (high constraint region in DECIPHER); Missense variant predicted to be damaging by in silico tool(s) or highly conserved with a major amino acid change. Additional information: Variant is predicted to result in a missense amino acid change from Phe to Cys; This variant is hemizygous; This gene is associated with X-linked disease. Females heterozygous for familial variants have been reported to be mildly affected. While de novo heterozygous females tend to be syndromic and more severely affected (PMIDs: 32279304, 36553533); This variant has no previous evidence of pathogenicity; No published evidence of segregation with disease has been identified for this variant; No published functional evidence has been identified for this variant; No comparable missense variants have previous evidence for pathogenicity; Loss of function is a known mechanism of disease in this gene and is associated with intellectual developmental disorder, X-linked syndromic, Claes-Jensen type (MIM#300534); Variants in this gene are known to have variable expressivity. Intrafamilial and interfamilial variability have been reported (PMID: 16541399); Inheritance information for this variant is not currently available in this individual.

Literature cited by the submitters: PubMed 32279304; PubMed 16541399; PubMed 36553533.

NM_004187.5(KDM5C):c.1850T>G (p.Phe617Cys)

Gene: KDM5C (lysine demethylase 5C; minus strand). Cytogenetic location: Xp11.22.
Variant type: single nucleotide variant.
Coding change: c.1850T>G on transcript NM_004187.5 (MANE Select); coding-DNA position 1850, T replaced by G.
Protein change: p.Phe617Cys; replaces phenylalanine 617 with cysteine.
Molecular consequence: missense variant. On other transcripts: non-coding transcript variant (3).
Genome position (GRCh38, 1-based): chrX:53,201,870, A>C on the plus strand (T>G on the coding strand, the complement: KDM5C is on the minus strand). VCF-style: chrX-53201870-A-C. GRCh37 (hg19) VCF-style: chrX-53231052-A-C.
Other names: c.1649T>G, p.Phe550Cys (NM_001146702.2); c.1847T>G, p.Phe616Cys (NM_001282622.3, NM_001353979.2, NM_001353982.2); c.1850T>G, p.Phe617Cys (NM_001353978.3, NM_001353981.2, NM_001353984.2); short protein forms F550C, F616C, F617C.
Identifiers: ClinVar variation 4845342 (VCV004845342.2).